The following is an entry in ClinVar:

NM_000219.6(KCNE1):c.289G>A (p.Ala97Thr)

Gene: KCNE1 (potassium voltage-gated channel subfamily E regulatory subunit 1; minus strand). Cytogenetic location: 21q22.12.
Variant type: single nucleotide variant.
Coding change: c.289G>A on transcript NM_000219.6 (MANE Select); coding-DNA position 289, G replaced by A.
Protein change: p.Ala97Thr; replaces alanine 97 with threonine.
Molecular consequence: missense variant.
Genome position (GRCh38, 1-based): chr21:34,449,346, C>T on the plus strand (G>A on the coding strand, the complement: KCNE1 is on the minus strand). VCF-style: chr21-34449346-C-T. GRCh37 (hg19) VCF-style: chr21-35821644-C-T.
Other names: c.289G>A, p.Ala97Thr (NM_001127668.4, NM_001127669.4, NM_001127670.4 and 4 more transcripts); short protein forms A97T.
Identifiers: ClinVar variation 3374544 (VCV003374544.3).
Genomic context (GRCh38, chr21:34,449,346, plus strand): 5'-GTTCTATGGCCAGATGGTTTTCAACGACATAGCACGACCTGTAGCTCTCCAGGACCCGGG[C>T]CTGGACATAGGCCTTGTCCTTCTCTTGCCAGGCATCGGACTCGATGTAGACGTTGAATGG-3'
Protein context (NP_000210.2, residues 87-107): WQEKDKAYVQ[Ala97Thr]RVLESYRSCY

ClinVar aggregate classification (germline): Uncertain significance (1 of 4 stars; one submission).

Conditions:
Cardiovascular phenotype. Identifiers: MedGen CN230736.

Submissions (2):

Ambry Genetics
Classification: Uncertain significance for Cardiovascular phenotype. Last evaluated: 2026-06-03. Review status: criteria provided, single submitter. Criteria: Ambry Variant Classification Scheme 2023. Collection method: clinical testing. Allele origin: germline.
Comment: The p.A97T variant (also known as c.289G>A), located in coding exon 1 of the KCNE1 gene, results from a G to A substitution at nucleotide position 289. The alanine at codon 97 is replaced by threonine, an amino acid with similar properties. Functional studies have been completed; however, the physiological relevance of this finding is unclear (Muhammad A et al. Genome Med, 2024 May;16:73). This amino acid position is not well conserved in available vertebrate species. In addition, the in silico prediction for this alteration is inconclusive. Based on the available evidence, the clinical significance of this variant remains unclear.

Roden Lab, Vanderbilt University Medical Center
No classification provided (evidence only). Condition: Long QT syndrome 5. Review status: no classification provided. Collection method: in vitro. Allele origin: not applicable. Functional consequence: Effect on ion channel function. Not counted in ClinVar's aggregate classification.
ClinVar note: "not provided" was previously submitted as the classification for the variant. However, the classification appeared to be based only on an observation of functional data so it was converted to no classification on 2025-07-30.

Literature cited by the submitters: PubMed 38816749 (cited by Ambry Genetics).